The following is an entry in ClinVar:

ClinVar aggregate classification (germline): Uncertain significance. Review status: criteria provided, multiple submitters, no conflicts (2 of 4 stars). 6 submissions from 6 submitters: Uncertain significance (6). Last evaluated 2025-07-08.

Conditions:
Hereditary cancer-predisposing syndrome. Also called: Neoplastic Syndromes, Hereditary; Tumor predisposition; Hereditary Cancer Syndrome; Hereditary neoplastic syndrome. Identifiers: Orphanet 140162, MedGen C0027672, MeSH D009386, MONDO:0015356.
Nijmegen breakage syndrome-like disorder (NBSLD). Also called: MICROCEPHALY AND SPONTANEOUS CHROMOSOME INSTABILITY WITHOUT IMMUNODEFICIENCY; NBS-LIKE DISORDER; RAD50 DEFICIENCY. Identifiers: Orphanet 240760, MedGen C2751318, MONDO:0013118, OMIM 613078.

Allele frequency attached by ClinVar (database versions not stated): gnomAD exomes 0.00001 and 0.00003; TOPMed 0.00003; ExAC 0.00004; gnomAD 0.00004; 1000 Genomes Project 0.00020; 1000 Genomes Project 30x 0.00031.
gnomAD v4.1: 34 of 1,614,148 alleles (0.0021%); highest among the groups gnomAD compares: African/African-American, 0.011%; 1 homozygote.

Submissions (6):

Quest Diagnostics Nichols Institute San Juan Capistrano
Classification: Uncertain significance. Last evaluated: 2025-07-08. Review status: criteria provided, single submitter. Criteria: Quest Diagnostics criteria. Collection method: clinical testing. Allele origin: unknown.
Comment: The RAD50 c.3716G>A (p.Arg1239Gln) variant has been reported in individuals with breast cancer (PMID: 26689913 (2015), 33471991 (2021), see also LOVD) and esophageal squamous cell carcinoma (PMID 24572942 (2021)). This variant has also been identified in reportedly unaffected individuals (PMID: 33471991 (2021), see also LOVD). The frequency of this variant in the general population (Genome Aggregation Database) is uninformative in the assessment of its pathogenicity. Analysis of this variant using bioinformatics tools for the prediction of the effect of amino acid changes on protein structure and function yielded conflicting predictions that this variant is benign or damaging. Based on the available information, we are unable to determine the clinical significance of this variant.

Labcorp Genetics (formerly Invitae), Labcorp
Classification: Uncertain significance for Hereditary cancer-predisposing syndrome. Last evaluated: 2025-07-01. Review status: criteria provided, single submitter. Criteria: Invitae Variant Classification Sherloc (09022015). Collection method: clinical testing. Allele origin: germline.
Comment: This sequence change replaces arginine, which is basic and polar, with glutamine, which is neutral and polar, at codon 1239 of the RAD50 protein (p.Arg1239Gln). This variant is present in population databases (rs35861031, gnomAD 0.03%). This missense change has been observed in individual(s) with breast cancer (PMID: 26689913). ClinVar contains an entry for this variant (Variation ID: 140979). Invitae Evidence Modeling of protein sequence and biophysical properties (such as structural, functional, and spatial information, amino acid conservation, physicochemical variation, residue mobility, and thermodynamic stability) has been performed for this missense variant. However, the output from this modeling did not meet the statistical confidence thresholds required to predict the impact of this variant on RAD50 protein function. In summary, the available evidence is currently insufficient to determine the role of this variant in disease. Therefore, it has been classified as a Variant of Uncertain Significance.

Ambry Genetics
Classification: Uncertain significance for Hereditary cancer-predisposing syndrome. Last evaluated: 2024-05-20. Review status: criteria provided, single submitter. Criteria: Ambry Variant Classification Scheme 2023. Collection method: clinical testing. Allele origin: germline.
Comment: The p.R1239Q variant (also known as c.3716G>A), located in coding exon 24 of the RAD50 gene, results from a G to A substitution at nucleotide position 3716. The arginine at codon 1239 is replaced by glutamine, an amino acid with highly similar properties. This amino acid position is highly conserved in available vertebrate species. In addition, this alteration is predicted to be deleterious by in silico analysis. Based on the available evidence, the clinical significance of this variant remains unclear.

Baylor Genetics
Classification: Uncertain significance for Nijmegen breakage syndrome-like disorder. Last evaluated: 2023-08-09. Review status: criteria provided, single submitter. Criteria: ACMG Guidelines, 2015. Collection method: clinical testing. Allele origin: unknown.

Sema4
Classification: Uncertain significance for Nijmegen breakage syndrome-like disorder. Last evaluated: 2021-08-09. Review status: criteria provided, single submitter. Criteria: Sema4 Curation Guidelines. Collection method: curation. Allele origin: germline.
Comment: The RAD50 c.3716G>A (p.R1239Q) variant has not been reported in the literature to our knowledge. It was observed in 3/10080 chromosomes of the Ashkenazi Jewish subpopulation in the large and broad cohorts of the Genome Aggregation Database (PMID: 32461654). The variant has been reported in ClinVar (Variation ID 140979). Functional studies have not been performed, and in silico predictions of the variant's effect on protein function are inconclusive. The evidence is insufficient to meet ACMG/AMP criteria for classifying the variant as benign or pathogenic. Thus, the clinical significance of this variant is currently uncertain.

Revvity Omics, Revvity
Classification: Uncertain significance for Nijmegen breakage syndrome-like disorder. Last evaluated: 2019-07-23. Review status: criteria provided, single submitter. Criteria: ACMG Guidelines, 2015. Collection method: clinical testing. Allele origin: germline.

Literature cited by the submitters: PubMed 33471991 (cited by Quest Diagnostics Nichols Institute San Juan Capistrano); PubMed 26689913 (cited by Quest Diagnostics Nichols Institute San Juan Capistrano and Labcorp Genetics (formerly Invitae), Labcorp).

NM_005732.4(RAD50):c.3716G>A (p.Arg1239Gln)

Genes: TH2LCRR (T helper type 2 locus control region associated RNA; minus strand), RAD50 (RAD50 double strand break repair protein; plus strand), TH2-LCR (Th2 cytokine locus control region; plus strand). Cytogenetic location: 5q31.1.
Variant type: single nucleotide variant.
Coding change: c.3716G>A on transcript NM_005732.4 (MANE Select); coding-DNA position 3716, G replaced by A.
Protein change: p.Arg1239Gln; replaces arginine 1239 with glutamine.
Molecular consequence: missense variant.
Genome position (GRCh38, 1-based): chr5:132,640,769, G>A. VCF-style: chr5-132640769-G-A. GRCh37 (hg19) VCF-style: chr5-131976461-G-A.
Other names: short protein forms R1239Q.
Identifiers: ClinVar variation 140979 (VCV000140979.21), dbSNP rs35861031, ClinGen allele CA164093.